The following is an entry in ClinVar:

NM_000180.4(GUCY2D):c.2646C>G (p.Tyr882Ter)

Gene: GUCY2D (guanylate cyclase 2D, retinal; plus strand). Cytogenetic location: 17p13.1.
Variant type: single nucleotide variant.
Coding change: c.2646C>G on transcript NM_000180.4 (MANE Select); coding-DNA position 2646, C replaced by G.
Protein change: p.Tyr882Ter; replaces tyrosine 882 with a stop codon.
Molecular consequence: nonsense.
Genome position (GRCh38, 1-based): chr17:8,014,928, C>G. VCF-style: chr17-8014928-C-G. GRCh37 (hg19) VCF-style: chr17-7918246-C-G.
Other names: short protein forms Y882*.
Identifiers: ClinVar variation 1074833 (VCV001074833.10), dbSNP rs1567961697, ClinGen allele CA397954008.

ClinVar aggregate classification (germline): Pathogenic. Review status: criteria provided, multiple submitters, no conflicts (2 of 4 stars). 2 submissions from 2 submitters: Pathogenic (2). Last evaluated 2024-03-07.

Conditions:
Cone-rod dystrophy 6 (CORD6). Also called: Cone dystrophy progressive; RETINAL CONE DYSTROPHY 2. Identifiers: Orphanet 1872, MedGen C1866293, MONDO:0011143, OMIM 601777.
Choroidal dystrophy, central areolar, 1. Identifiers: Orphanet 75377, MedGen C4551884, MONDO:0024539, OMIM 215500.
Night blindness, congenital stationary, type1i. Also called: NIGHT BLINDNESS, CONGENITAL STATIONARY, TYPE 1I. Identifiers: MedGen C5231408, MONDO:0032811, OMIM 618555.
Leber congenital amaurosis 1 (LCA1). Also called: AMAUROSIS CONGENITA OF LEBER I; RETINAL BLINDNESS, CONGENITAL; Congenital absence of the rods and cones; Leber's congenital tapetoretinal degeneration; Leber's congenital tapetoretinal dysplasia. Identifiers: Orphanet 65, MedGen C2931258, MONDO:0008764, OMIM 204000.

Allele frequency attached by ClinVar (database versions not stated): TOPMed below 0.00001.
gnomAD v4.1: 5 of 1,613,868 alleles (0.00031%); highest among the groups gnomAD compares: Non-Finnish European, 0.00025%; no homozygotes.

Submissions (2):

Fulgent Genetics
Classification: Pathogenic for Leber congenital amaurosis 1; Choroidal dystrophy, central areolar, 1; Cone-rod dystrophy 6; Night blindness, congenital stationary, type1i. Last evaluated: 2024-03-07. Review status: criteria provided, single submitter. Criteria: ACMG Guidelines, 2015. Collection method: clinical testing. Allele origin: germline.

Labcorp Genetics (formerly Invitae), Labcorp
Classification: Pathogenic for Leber congenital amaurosis 1; Cone-rod dystrophy 6. Last evaluated: 2022-11-01. Review status: criteria provided, single submitter. Criteria: Invitae Variant Classification Sherloc (09022015). Collection method: clinical testing. Allele origin: germline.
Comment: This variant is not present in population databases (gnomAD no frequency). For these reasons, this variant has been classified as Pathogenic. ClinVar contains an entry for this variant (Variation ID: 1074833). This premature translational stop signal has been observed in individual(s) with Leber congenital amaurosis (PMID: 29178642). In at least one individual the data is consistent with being in trans (on the opposite chromosome) from a pathogenic variant. This sequence change creates a premature translational stop signal (p.Tyr882*) in the GUCY2D gene. It is expected to result in an absent or disrupted protein product. Loss-of-function variants in GUCY2D are known to be pathogenic (PMID: 10951519, 11328726).

Literature cited by the submitters: PubMed 29178642 (cited by Labcorp Genetics (formerly Invitae), Labcorp); PubMed 10951519 (cited by Labcorp Genetics (formerly Invitae), Labcorp); PubMed 11328726 (cited by Labcorp Genetics (formerly Invitae), Labcorp).